The following is an entry in ClinVar:

NM_203486.3(DLL3):c.1354G>A (p.Val452Ile)

Gene: DLL3 (delta like canonical Notch ligand 3; plus strand). Cytogenetic location: 19q13.2.
Variant type: single nucleotide variant.
Coding change: c.1354G>A on transcript NM_203486.3 (MANE Select); coding-DNA position 1354, G replaced by A.
Protein change: p.Val452Ile; replaces valine 452 with isoleucine.
Molecular consequence: missense variant.
Genome position (GRCh38, 1-based): chr19:39,507,299, G>A. VCF-style: chr19-39507299-G-A. GRCh37 (hg19) VCF-style: chr19-39997939-G-A.
Other names: c.1354G>A, p.Val452Ile (NM_016941.4); short protein forms V452I.
Identifiers: ClinVar variation 3053957 (VCV003053957.2), dbSNP rs776036444, ClinGen allele CA9432416.

ClinVar aggregate classification (germline): Likely benign (0 of 4 stars; one submission).

Conditions:
DLL3-related disorder. Also called: DLL3-related condition.

Allele frequency attached by ClinVar (database versions not stated): gnomAD 0.00009; ExAC 0.00066.
gnomAD v4.1: 104 of 1,552,622 alleles (0.0067%); highest among the groups gnomAD compares: East Asian, 0.24%; no homozygotes.

Submission:

PreventionGenetics, part of Exact Sciences
Classification: Likely benign for DLL3-related condition. Last evaluated: 2022-03-31. Review status: no assertion criteria provided. Collection method: clinical testing. Allele origin: germline.
Comment: This variant is classified as likely benign based on ACMG/AMP sequence variant interpretation guidelines (Richards et al. 2015 PMID: 25741868, with internal and published modifications).